The following is an entry in ClinVar:

NM_001197104.2(KMT2A):c.7823A>C (p.Lys2608Thr)

Gene: KMT2A (lysine methyltransferase 2A; plus strand). Cytogenetic location: 11q23.3.
Variant type: single nucleotide variant.
Coding change: c.7823A>C on transcript NM_001197104.2 (MANE Select); coding-DNA position 7823, A replaced by C.
Protein change: p.Lys2608Thr; replaces lysine 2608 with threonine.
Molecular consequence: missense variant.
Genome position (GRCh38, 1-based): chr11:118,503,715, A>C. VCF-style: chr11-118503715-A-C. GRCh37 (hg19) VCF-style: chr11-118374430-A-C.
Other names: c.7913A>C, p.Lys2638Thr (NM_001412597.1); c.7814A>C, p.Lys2605Thr (NM_005933.4); short protein forms K2605T, K2608T, K2638T.
Identifiers: ClinVar variation 1973932 (VCV001973932.5), dbSNP rs2497003341, ClinGen allele CA382807360.
Genomic context (GRCh38, chr11:118,503,715, plus strand): 5'-GTAACAACTATCAGAATCTTCCAGTACAGGACAGAAACCTAATGCTTCCAGATGGCCCCA[A>C]ACCTCAGGAGGATGGCTCTTTTAAAAGGAGGTATCCCCGTCGCAGTGCCCGTGCACGTTC-3'
Protein context (NP_001184033.1, residues 2598-2618): DRNLMLPDGP[Lys2608Thr]PQEDGSFKRR

ClinVar aggregate classification (germline): Uncertain significance (1 of 4 stars; one submission).

Submission:

Labcorp Genetics (formerly Invitae), Labcorp
Classification: Uncertain significance. Last evaluated: 2024-04-27. Review status: criteria provided, single submitter. Criteria: Invitae Variant Classification Sherloc (09022015). Collection method: clinical testing. Allele origin: germline.
Comment: This sequence change replaces lysine, which is basic and polar, with threonine, which is neutral and polar, at codon 2608 of the KMT2A protein (p.Lys2608Thr). This variant is not present in population databases (gnomAD no frequency). This variant has not been reported in the literature in individuals affected with KMT2A-related conditions. ClinVar contains an entry for this variant (Variation ID: 1973932). Advanced modeling of protein sequence and biophysical properties (such as structural, functional, and spatial information, amino acid conservation, physicochemical variation, residue mobility, and thermodynamic stability) performed at Invitae indicates that this missense variant is not expected to disrupt KMT2A protein function with a negative predictive value of 95%. In summary, the available evidence is currently insufficient to determine the role of this variant in disease. Therefore, it has been classified as a Variant of Uncertain Significance.